The following is an entry in ClinVar:

NM_139125.4(MASP1):c.1552G>A (p.Val518Ile)

Gene: MASP1 (MBL associated serine protease 1; minus strand). Cytogenetic location: 3q27.3.
Variant type: single nucleotide variant.
Coding change: c.1552G>A on transcript NM_139125.4 (MANE Select); coding-DNA position 1552, G replaced by A.
Protein change: p.Val518Ile; replaces valine 518 with isoleucine.
Molecular consequence: missense variant. On other transcripts: non-coding transcript variant (1), intron variant (1).
Genome position (GRCh38, 1-based): chr3:187,236,319, C>T on the plus strand (G>A on the coding strand, the complement: MASP1 is on the minus strand). VCF-style: chr3-187236319-C-T. GRCh37 (hg19) VCF-style: chr3-186954107-C-T.
Other names: c.1303+5162G>A (NM_001879.6); short protein forms V518I.
Identifiers: ClinVar variation 702180 (VCV000702180.23), dbSNP rs73068950, ClinGen allele CA2749236.

ClinVar aggregate classification (germline): Benign/Likely benign. Review status: criteria provided, multiple submitters, no conflicts (2 of 4 stars). 5 submissions from 5 submitters: Benign (1); Likely benign (4). Last evaluated 2026-08-01.

Conditions:
3MC syndrome 1. Also called: OCULOPALATOSKELETAL SYNDROME; CRANIOSYNOSTOSIS WITH LID ANOMALIES; MICHELS SYNDROME. Identifiers: Orphanet 293843, MedGen C0796059, MONDO:0009770, OMIM 257920.

Allele frequency attached by ClinVar (database versions not stated): gnomAD exomes 0.00037 and 0.00088; ExAC 0.00118; gnomAD 0.00309 and 0.00329; 1000 Genomes Project 0.00319; ESP Exome Variant Server 0.00354; TOPMed 0.00370; 1000 Genomes Project 30x 0.00390.
gnomAD v4.1: 1,037 of 1,614,254 alleles (0.064%); highest among the groups gnomAD compares: African/African-American, 1%; 4 homozygotes.

Submissions (5):

CeGaT Center for Human Genetics Tuebingen
Classification: Likely benign. Last evaluated: 2026-08-01. Review status: criteria provided, single submitter. Criteria: CeGaT Center For Human Genetics Tuebingen Variant Classification Criteria Version 2. Collection method: clinical testing. Allele origin: germline. Affected: yes. Observed: 3 variant alleles.
Comment: MASP1: BS1

Labcorp Genetics (formerly Invitae), Labcorp
Classification: Benign for 3MC syndrome 1. Last evaluated: 2025-12-28. Review status: criteria provided, single submitter. Criteria: Invitae Variant Classification Sherloc (09022015). Collection method: clinical testing. Allele origin: germline.

Blueprint Genetics
Classification: Likely benign. Last evaluated: 2024-11-06. Review status: criteria provided, single submitter. Criteria: ACMG Guidelines, 2015. Collection method: clinical testing. Allele origin: germline.

GeneDx
Classification: Likely benign. Last evaluated: 2024-05-07. Review status: criteria provided, single submitter. Criteria: GeneDx Variant Classification Process June 2021. Collection method: clinical testing. Allele origin: germline. Affected: yes.
Comment: See Variant Classification Assertion Criteria.

Breakthrough Genomics
Classification: Likely benign. Review status: criteria provided, single submitter. Criteria: ACMG Guidelines, 2015. Collection method: not provided. Allele origin: germline. Inheritance: Autosomal recessive inheritance. Affected: yes.